The following is an entry in ClinVar:

ClinVar aggregate classification (germline): Conflicting classifications of pathogenicity. Review status: criteria provided, conflicting classifications (1 of 4 stars). 2 submissions from 2 submitters: Likely pathogenic (1); Uncertain significance (1). Last evaluated 2026-08-18.

Conditions:
Inborn genetic diseases. Identifiers: MedGen C0950123, MeSH D030342.

Submissions (2):

Ambry Genetics
Classification: Uncertain significance for Inborn genetic diseases. Last evaluated: 2026-08-18. Review status: criteria provided, single submitter. Criteria: Ambry Variant Classification Scheme 2023. Collection method: clinical testing. Allele origin: germline.
Comment: The c.706+218G>A intronic alteration consists of a G to A substitution 218 nucleotides after Intron 5 (C) in the SCN8A gene. This variant is located in exon 5 of an alternate transcript, NM_001330260.2, that is preferentially expressed later in development (Raymond, 2004; Gazina, 2010). In NM_001330260.2, this variant is described as c.677G>A (p.R226Q) and consists of a G to A substitution at nucleotide position 677, causing the arginine (R) at amino acid position 226 to be replaced by a glutamine (Q). This variant was not reported in population-based cohorts in the Genome Aggregation Database (gnomAD). This amino acid position is highly conserved in available vertebrate species. This missense variant is located in a region that has a low rate of benign missense variation (Lek, 2016; Firth, 2009). This alteration is predicted to be deleterious by in silico analysis. Based on insufficient or conflicting evidence, the clinical significance of this alteration remains unclear.

GeneDx
Classification: Likely pathogenic. Last evaluated: 2024-05-06. Review status: criteria provided, single submitter. Criteria: GeneDx Variant Classification Process June 2021. Collection method: clinical testing. Allele origin: germline. Affected: yes.
Comment: Reported using an alternate transcript of the gene; Not observed at significant frequency in large population cohorts (gnomAD); In silico analysis supports a deleterious effect on splicing; Has not been previously published as pathogenic or benign to our knowledge; This variant is associated with the following publications: (PMID: 29113313)

NM_001330260.2(SCN8A):c.677G>A (p.Arg226Gln)

Gene: SCN8A (sodium voltage-gated channel alpha subunit 8; plus strand). Cytogenetic location: 12q13.13.
Variant type: single nucleotide variant.
Coding change: c.677G>A on transcript NM_001330260.2 (MANE Select); coding-DNA position 677, G replaced by A.
Protein change: p.Arg226Gln; replaces arginine 226 with glutamine.
Molecular consequence: missense variant. On other transcripts: intron variant (2).
Genome position (GRCh38, 1-based): chr12:51,689,067, G>A. VCF-style: chr12-51689067-G-A. GRCh37 (hg19) VCF-style: chr12-52082851-G-A.
Other names: c.677G>A, p.Arg226Gln (NM_001369788.1); c.706+218G>A (NM_014191.4, NM_001177984.3, NM_014191.2); short protein forms R226Q.
Identifiers: ClinVar variation 3375736 (VCV003375736.2).
Genomic context (GRCh38, chr12:51,689,067, plus strand): 5'-ATGTGACAGAGTTTGTGGACCTGGGCAATGTCTCAGCGCTGAGAACATTCAGGGTTCTCC[G>A]AGCTTTGAAAACTATCTCTGTAATTCCAGGTGAGAAAATTTGTACATAAGACTGACTTTG-3'
Protein context (NP_001317189.1, residues 216-236): VSALRTFRVL[Arg226Gln]ALKTISVIPG